The following is an entry in ClinVar:

ClinVar aggregate classification (germline): Uncertain significance (1 of 4 stars; one submission).

Submission:

Labcorp Genetics (formerly Invitae), Labcorp
Classification: Uncertain significance. Last evaluated: 2022-05-20. Review status: criteria provided, single submitter. Criteria: Invitae Variant Classification Sherloc (09022015). Collection method: clinical testing. Allele origin: germline.
Comment: This sequence change replaces isoleucine, which is neutral and non-polar, with valine, which is neutral and non-polar, at codon 49 of the PEX3 protein (p.Ile49Val). This variant is not present in population databases (gnomAD no frequency). This variant has not been reported in the literature in individuals affected with PEX3-related conditions. Algorithms developed to predict the effect of missense changes on protein structure and function (SIFT, PolyPhen-2, Align-GVGD) all suggest that this variant is likely to be tolerated. In summary, the available evidence is currently insufficient to determine the role of this variant in disease. Therefore, it has been classified as a Variant of Uncertain Significance.

NM_003630.3(PEX3):c.145A>G (p.Ile49Val)

Gene: PEX3 (peroxisomal biogenesis factor 3; plus strand). Cytogenetic location: 6q24.2.
Variant type: single nucleotide variant.
Coding change: c.145A>G on transcript NM_003630.3 (MANE Select); coding-DNA position 145, A replaced by G.
Protein change: p.Ile49Val; replaces isoleucine 49 with valine.
Molecular consequence: missense variant.
Genome position (GRCh38, 1-based): chr6:143,459,156, A>G. VCF-style: chr6-143459156-A-G. GRCh37 (hg19) VCF-style: chr6-143780293-A-G.
Other names: short protein forms I49V.
Identifiers: ClinVar variation 2082156 (VCV002082156.1), dbSNP rs1584003000, ClinGen allele CA365905184.
Genomic context (GRCh38, chr6:143,459,156, plus strand): 5'-CTGGGGAAATATGGACAGAAGAAAATCAGAGAAATACAGGAAAGGGAGGCTGCAGAATAC[A>G]TTGCCCAAGCACGACGACAATATCATTTTGAAAGTAACCAGAGGACTTGCAATATGACAG-3'
Protein context (NP_003621.1, residues 39-59): EIQEREAAEY[Ile49Val]AQARRQYHFE